The following is an entry in ClinVar:

NM_000070.3(CAPN3):c.1939G>T (p.Glu647Ter)

Gene: CAPN3 (calpain 3; plus strand). Cytogenetic location: 15q15.1.
Variant type: single nucleotide variant.
Coding change: c.1939G>T on transcript NM_000070.3 (MANE Select); coding-DNA position 1939, G replaced by T.
Protein change: p.Glu647Ter; replaces glutamic acid 647 with a stop codon.
Molecular consequence: nonsense. On other transcripts: 5 prime UTR variant (2).
Genome position (GRCh38, 1-based): chr15:42,409,327, G>T. VCF-style: chr15-42409327-G-T. GRCh37 (hg19) VCF-style: chr15-42701525-G-T.
Other names: c.1921G>T, p.Glu641Ter (NM_024344.2); c.1663G>T, p.Glu555Ter (NM_173087.2); c.403G>T, p.Glu135Ter (NM_173088.2); c.-57G>T (NM_173089.2, NM_173090.2); short protein forms E647*, E555*, E135*, E641*.
Identifiers: ClinVar variation 217153 (VCV000217153.24), dbSNP rs863224960, ClinGen allele CA347555.

ClinVar aggregate classification (germline): Pathogenic. Review status: criteria provided, multiple submitters, no conflicts (2 of 4 stars). 3 submissions from 3 submitters: Pathogenic (3). Last evaluated 2023-10-31.

Conditions:
Muscular dystrophy, limb-girdle, autosomal dominant 4. Also called: Calpain-3-related limb-girdle muscular dystrophy D4; MUSCULAR DYSTROPHY, LIMB-GIRDLE, TYPE 1I. Identifiers: Orphanet 565909, MedGen C4748295, MONDO:0029133, OMIM 618129.
Autosomal recessive limb-girdle muscular dystrophy type 2A (LGMDR1). Also called: Limb-girdle muscular dystrophy, type 2A; Calpainopathy; LEYDEN-MOEBIUS MUSCULAR DYSTROPHY; MUSCULAR DYSTROPHY, PELVOFEMORAL; Muscular dystrophy, limb-girdle, type 2A, Amish. Identifiers: Orphanet 267, MedGen C1869123, MONDO:0009675, OMIM 253600. Disease mechanism: loss of function.

Allele frequency attached by ClinVar (database versions not stated): gnomAD 0.00003.
gnomAD v4.1: 6 of 1,614,092 alleles (0.00037%); highest among the groups gnomAD compares: South Asian, 0.0044%; no homozygotes.

Submissions (3):

Baylor Genetics
Classification: Pathogenic for Muscular dystrophy, limb-girdle, autosomal dominant 4. Last evaluated: 2023-10-31. Review status: criteria provided, single submitter. Criteria: ACMG Guidelines, 2015. Collection method: clinical testing. Allele origin: unknown.

Kariminejad - Najmabadi Pathology & Genetics Center
Classification: Pathogenic for Autosomal recessive limb-girdle muscular dystrophy type 2A. Last evaluated: 2023-08-15. Review status: criteria provided, single submitter. Criteria: ACMG Guidelines, 2015. Collection method: clinical testing. Allele origin: germline. Inheritance: Autosomal recessive inheritance. Affected: yes.
Comment: PVS1, PM2, PM3

Athena Diagnostics
Classification: Pathogenic for Limb-girdle muscular dystrophy, type 2A. Last evaluated: 2014-08-08. Review status: criteria provided, single submitter. Criteria: Athena Diagnostics Criteria. Collection method: clinical testing. Allele origin: germline. Inheritance: Autosomal recessive inheritance.

Literature cited by the submitters: PubMed 17994539 (cited by Athena Diagnostics); PubMed 17236769 (cited by Athena Diagnostics).